The following is an entry in ClinVar:

NM_212482.4(FN1):c.5551_5553del (p.Glu1851del)

Gene: FN1 (fibronectin 1; minus strand). Cytogenetic location: 2q35.
Variant type: Deletion.
Coding change: c.5551_5553del on transcript NM_212482.4 (MANE Select); coding-DNA positions 5551 to 5553, 3 bases deleted (GAG; older notation c.5551_5553delGAG).
Protein change: p.Glu1851del; deletes glutamic acid 1851.
Molecular consequence: inframe deletion.
Genome position (GRCh38, 1-based): chr2:215,379,199-215,379,201, CTC deleted on the plus strand (GAG on the coding strand, the reverse complement: FN1 is on the minus strand); deleting any 3 consecutive bases within chr2:215,379,199-215,379,203 gives the same sequence; the c. name uses the placement nearest the transcript's 3' end. VCF-style (leftmost placement, unchanged base first): chr2-215379198-TCTC-T. GRCh37 (hg19) VCF-style: chr2-216243921-TCTC-T.
Other names: c.5551_5553del, p.Glu1851del (NM_001306129.2); c.5281_5283del, p.Glu1761del (NM_001306130.2, NM_001365517.2, NM_001365519.2 and 2 more transcripts); c.5008_5010del, p.Glu1670del (NM_001306131.2, NM_001306132.2, NM_001365523.2 and 2 more transcripts); c.5278_5280del, p.Glu1760del (NM_001365518.2, NM_001365520.2, NM_001365524.2 and 2 more transcripts); short protein forms E1670del, E1760del, E1761del, E1851del.
Identifiers: ClinVar variation 3254671 (VCV003254671.2), dbSNP rs769683520.

ClinVar aggregate classification (germline): Uncertain significance (1 of 4 stars; one submission).

Conditions:
Glomerulopathy with fibronectin deposits 2 (GFND2). Identifiers: Orphanet 84090, MedGen C1866075, MONDO:0011165, OMIM 601894.

Submission:

Victorian Clinical Genetics Services, Murdoch Childrens Research Institute
Classification: Uncertain significance for Glomerulopathy with fibronectin deposits 2. Last evaluated: 2024-09-19. Review status: criteria provided, single submitter. Criteria: ACMG Guidelines, 2015. Collection method: clinical testing. Allele origin: germline. Inheritance: Autosomal dominant inheritance. Affected: yes.
Comment: Based on the classification scheme VCGS_Germline_v1.3.4, this variant is classified as VUS-3B. Following criteria are met: 0105 - The mechanism of disease for this gene is not clearly established. However, loss of function has been suggested based on mutant proteins not being secreted and subsequent intracellular accumulation (PMID: 29100092). (I) 0107 - This gene is associated with autosomal dominant disease. Variants associated with glomerulopathy with fibronectin deposits 2 (MIM#601894) lie within the C-terminus, while variants associated with spondylometaphyseal dysplasia, corner fracture type (MIM#184255) lie within the N-terminus (domains I-1 to I-5) and often affect the cysteine residues involved in disulphide bonds (PMIDs: 29100092, 32200603). (I) 0115 - Variants in this gene are known to have variable expressivity. Intrafamilial variability has been observed (PMID: 32200603). (I) 0213 - In-frame deletion in a non-repetitive region that has moderate conservation. (SP) 0251 - This variant is heterozygous. (I) 0301 - Variant is absent from gnomAD (both v2 and v3). (SP) 0600 - Variant is located in the annotated fibronectin type III domain (DECIPHER). (I) 0705 - No comparable in-frame deletion variants have previous evidence for pathogenicity. (I) 0807 - This variant has no previous evidence of pathogenicity. (I) 0905 - No published segregation evidence has been identified for this variant. (I) 1007 - No published functional evidence has been identified for this variant. (I) 1208 - Inheritance information for this variant is not currently available in this individual. (I) Legend: (SP) - Supporting pathogenic, (I) - Information, (SB) - Supporting benign

Literature cited by the submitters: PubMed 29100092; PubMed 32200603.